The following is an entry in ClinVar:

NM_206933.4(USH2A):c.7856C>A (p.Thr2619Lys)

Gene: USH2A (usherin; minus strand). Cytogenetic location: 1q41.
Variant type: single nucleotide variant.
Coding change: c.7856C>A on transcript NM_206933.4 (MANE Select); coding-DNA position 7856, C replaced by A.
Protein change: p.Thr2619Lys; replaces threonine 2619 with lysine.
Molecular consequence: missense variant.
Genome position (GRCh38, 1-based): chr1:215,888,793, G>T on the plus strand (C>A on the coding strand, the complement: USH2A is on the minus strand). VCF-style: chr1-215888793-G-T. GRCh37 (hg19) VCF-style: chr1-216062135-G-T.
Other names: short protein forms T2619K.
Identifiers: ClinVar variation 1352953 (VCV001352953.6), dbSNP rs778372214, ClinGen allele CA1394730.

ClinVar aggregate classification (germline): Uncertain significance (1 of 4 stars; one submission).

Allele frequency attached by ClinVar (database versions not stated): TOPMed below 0.00001; ExAC 0.00001; gnomAD 0.00001; gnomAD exomes 0.00001 and 0.00002.
gnomAD v4.1: 8 of 1,614,020 alleles (0.0005%); highest among the groups gnomAD compares: Admixed American, 0.012%; no homozygotes.

Submission:

Labcorp Genetics (formerly Invitae), Labcorp
Classification: Uncertain significance. Last evaluated: 2022-03-20. Review status: criteria provided, single submitter. Criteria: Invitae Variant Classification Sherloc (09022015). Collection method: clinical testing. Allele origin: germline.
Comment: This sequence change replaces threonine, which is neutral and polar, with lysine, which is basic and polar, at codon 2619 of the USH2A protein (p.Thr2619Lys). This variant is present in population databases (rs778372214, gnomAD 0.01%). This variant has not been reported in the literature in individuals affected with USH2A-related conditions. Algorithms developed to predict the effect of missense changes on protein structure and function (SIFT, PolyPhen-2, Align-GVGD) all suggest that this variant is likely to be disruptive. In summary, the available evidence is currently insufficient to determine the role of this variant in disease. Therefore, it has been classified as a Variant of Uncertain Significance.